The following is an entry in ClinVar:

ClinVar aggregate classification (germline): Likely benign (1 of 4 stars; one submission).

Conditions:
CHRNB1-related disorder. Also called: CHRNB1-related condition.

Submission:

PreventionGenetics, part of Exact Sciences
Classification: Likely benign for CHRNB1-related condition. Last evaluated: 2024-10-09. Review status: criteria provided, single submitter. Criteria: ACMG Guidelines, 2015. Collection method: clinical testing. Allele origin: germline.
Comment: This variant is classified as likely benign based on ACMG/AMP sequence variant interpretation guidelines (Richards et al. 2015 PMID: 25741868, with internal and published modifications).

NM_000747.3(CHRNB1):c.597A>G (p.Glu199=)

Gene: CHRNB1 (cholinergic receptor nicotinic beta 1 subunit; plus strand). Cytogenetic location: 17p13.1.
Variant type: single nucleotide variant.
Coding change: c.597A>G on transcript NM_000747.3 (MANE Select); coding-DNA position 597, A replaced by G.
Protein change: p.Glu199=; no amino-acid change (glutamic acid 199 retained).
Molecular consequence: synonymous variant.
Genome position (GRCh38, 1-based): chr17:7,447,637, A>G. VCF-style: chr17-7447637-A-G. GRCh37 (hg19) VCF-style: chr17-7350956-A-G.
Identifiers: ClinVar variation 4988078 (VCV004988078.1).